The following is an entry in ClinVar:

ClinVar aggregate classification (germline): Uncertain significance (1 of 4 stars; one submission).

Conditions:
Cardiovascular phenotype. Identifiers: MedGen CN230736.
Hereditary cancer-predisposing syndrome. Also called: Hereditary Cancer Syndrome; Hereditary neoplastic syndrome; Neoplastic Syndromes, Hereditary; Tumor predisposition. Identifiers: Orphanet 140162, MedGen C0027672, MeSH D009386, MONDO:0015356.

Submission:

Ambry Genetics
Classification: Uncertain significance for Cardiovascular phenotype; Hereditary cancer-predisposing syndrome. Last evaluated: 2022-08-17. Review status: criteria provided, single submitter. Criteria: Ambry Variant Classification Scheme 2023. Collection method: clinical testing. Allele origin: germline.
Comment: The p.F45L variant (also known as c.135C>G), located in coding exon 1 of the LZTR1 gene, results from a C to G substitution at nucleotide position 135. The phenylalanine at codon 45 is replaced by leucine, an amino acid with highly similar properties. This amino acid position is conserved. In addition, the in silico prediction for this alteration is inconclusive. Since supporting evidence is limited at this time, the clinical significance of this alteration remains unclear.

NM_006767.4(LZTR1):c.135C>G (p.Phe45Leu)

Gene: LZTR1 (leucine zipper like post translational regulator 1; plus strand). Cytogenetic location: 22q11.21.
Variant type: single nucleotide variant.
Coding change: c.135C>G on transcript NM_006767.4 (MANE Select); coding-DNA position 135, C replaced by G.
Protein change: p.Phe45Leu; replaces phenylalanine 45 with leucine.
Molecular consequence: missense variant.
Genome position (GRCh38, 1-based): chr22:20,982,506, C>G. VCF-style: chr22-20982506-C-G. GRCh37 (hg19) VCF-style: chr22-21336795-C-G.
Other names: short protein forms F45L.
Identifiers: ClinVar variation 1770783 (VCV001770783.2), dbSNP rs1924231421, ClinGen allele CA410777877.